The following is an entry in ClinVar:

ClinVar aggregate classification (germline): Pathogenic/Likely pathogenic. Review status: criteria provided, multiple submitters, no conflicts (2 of 4 stars). 2 submissions from 2 submitters: Pathogenic (1); Likely pathogenic (1). Last evaluated 2023-07-10.

Conditions:
CEP83-related disorder. Also called: CEP83-related condition.
Nephronophthisis 18 (NPHP18). Identifiers: Orphanet 655, MedGen C3890591, MONDO:0014374, OMIM 615862.

Allele frequency attached by ClinVar (database versions not stated): gnomAD 0.00001; TOPMed 0.00002.

Submissions (2):

Blueprint Genetics
Classification: Likely pathogenic for CEP83-related disorders. Last evaluated: 2023-07-10. Review status: criteria provided, single submitter. Criteria: ACMG Guidelines, 2015. Collection method: clinical testing. Allele origin: germline. Affected: yes. Observed: 3 variant alleles.

Labcorp Genetics (formerly Invitae), Labcorp
Classification: Pathogenic for Nephronophthisis 18. Last evaluated: 2022-11-01. Review status: criteria provided, single submitter. Criteria: Invitae Variant Classification Sherloc (09022015). Collection method: clinical testing. Allele origin: germline.
Comment: This variant is present in population databases (rs750092874, gnomAD 0.006%). This sequence change creates a premature translational stop signal (p.Arg215*) in the CEP83 gene. It is expected to result in an absent or disrupted protein product. Loss-of-function variants in CEP83 are known to be pathogenic (PMID: 23530209, 24882706). This variant has not been reported in the literature in individuals affected with CEP83-related conditions. ClinVar contains an entry for this variant (Variation ID: 1072570). For these reasons, this variant has been classified as Pathogenic.

Literature cited by the submitters: PubMed 23530209 (cited by Labcorp Genetics (formerly Invitae), Labcorp); PubMed 24882706 (cited by Labcorp Genetics (formerly Invitae), Labcorp).

NM_016122.3(CEP83):c.643C>T (p.Arg215Ter)

Gene: CEP83 (centrosomal protein 83; minus strand). Cytogenetic location: 12q22.
Variant type: single nucleotide variant.
Coding change: c.643C>T on transcript NM_016122.3 (MANE Select); coding-DNA position 643, C replaced by T.
Protein change: p.Arg215Ter; replaces arginine 215 with a stop codon.
Molecular consequence: nonsense. On other transcripts: non-coding transcript variant (3).
Genome position (GRCh38, 1-based): chr12:94,378,949, G>A on the plus strand (C>T on the coding strand, the complement: CEP83 is on the minus strand). VCF-style: chr12-94378949-G-A. GRCh37 (hg19) VCF-style: chr12-94772725-G-A.
Other names: c.643C>T, p.Arg215Ter (NM_001042399.2, NM_001346457.2, NM_001346460.2 and 3 more transcripts); c.331C>T, p.Arg111Ter (NM_001346458.2, NM_001346459.2, NM_001346462.2 and 2 more transcripts); c.418C>T, p.Arg140Ter (NM_001368041.1); c.106C>T, p.Arg36Ter (NM_001368042.1); short protein forms R111*, R140*, R215*, R36*.
Identifiers: ClinVar variation 1072570 (VCV001072570.8), dbSNP rs750092874, ClinGen allele CA6721874.
Genomic context (GRCh38, chr12:94,378,949, plus strand): 5'-TTAATTCCGCTACTTCAGCCTCTAAACCTTTTAATTTTTGACACAAATAGACTTTTTCTC[G>A]AGCAAGTTGTTCCACTCGTTTGCTGTCTTTTGTGAGATCAACATTAAGCAGCTGGTTACG-3'